The following is an entry in ClinVar:

NM_000069.3(CACNA1S):c.5049-12C>G

Gene: CACNA1S (calcium voltage-gated channel subunit alpha1 S; minus strand). Cytogenetic location: 1q32.1.
Variant type: single nucleotide variant.
Coding change: c.5049-12C>G on transcript NM_000069.3 (MANE Select); 12 bases into the intron before coding-DNA position 5049, C replaced by G.
Molecular consequence: intron variant.
Genome position (GRCh38, 1-based): chr1:201,041,601, G>C on the plus strand (C>G on the coding strand, the complement: CACNA1S is on the minus strand). VCF-style: chr1-201041601-G-C. GRCh37 (hg19) VCF-style: chr1-201010729-G-C.
Identifiers: ClinVar variation 2931684 (VCV002931684.5), dbSNP rs1660213551, ClinGen allele CA1219569652.

ClinVar aggregate classification (germline): Conflicting classifications of pathogenicity. Review status: criteria provided, conflicting classifications (1 of 4 stars). 3 submissions from 3 submitters: Uncertain significance (1); Likely benign (2). Last evaluated 2024-06-17.

Conditions:
Malignant hyperthermia, susceptibility to, 5 (MHS5). Also called: CACNA1S-Related Malignant Hyperthermia Susceptibility. Identifiers: Orphanet 423, MedGen C1866077, MONDO:0011163, OMIM 601887.
Hypokalemic periodic paralysis, type 1. Also called: Hypokalemic Periodic Paralysis Type 1 (AD); HypoPP. Identifiers: Orphanet 681, MedGen C3714580, MONDO:0042979, OMIM 170400.
Congenital myopathy 18. Also called: Myopathy, congenital, due to dihydropyridine receptor defect; DIHYDROPYRIDINE RECEPTOR CONGENITAL MYOPATHY; DHPR CONGENITAL MYOPATHY. Identifiers: MedGen C5830283, MONDO:0859514, OMIM 620246.
Thyrotoxic periodic paralysis, susceptibility to, 1 (TTPP1). Identifiers: Orphanet 79102, MedGen C2749982, MONDO:0008570, OMIM 188580.

Allele frequency attached by ClinVar (database versions not stated): TOPMed 0.00001.

Submissions (3):

Fulgent Genetics
Classification: Uncertain significance for Hypokalemic periodic paralysis, type 1; Thyrotoxic periodic paralysis, susceptibility to, 1; Malignant hyperthermia, susceptibility to, 5; Congenital myopathy 18. Last evaluated: 2024-06-17. Review status: criteria provided, single submitter. Criteria: ACMG Guidelines, 2015. Collection method: clinical testing. Allele origin: germline.

All of Us Research Program, National Institutes of Health
Classification: Likely benign for Malignant hyperthermia, susceptibility to, 5. Last evaluated: 2023-12-13. Review status: criteria provided, single submitter. Criteria: ACMG Guidelines, 2015. Collection method: clinical testing. Allele origin: germline. Inheritance: Autosomal dominant inheritance. Observed: 1 variant allele, 1 heterozygote.
Comment: This study involves interpretation of variants in research participants for the purpose of population health screening. Participant phenotype was not available at the time of variant classification. Additional details can be found in publication PMID: 35346344, PMCID: PMC8962531

Labcorp Genetics (formerly Invitae), Labcorp
Classification: Likely benign for Hypokalemic periodic paralysis, type 1; Malignant hyperthermia, susceptibility to, 5. Last evaluated: 2023-04-09. Review status: criteria provided, single submitter. Criteria: Invitae Variant Classification Sherloc (09022015). Collection method: clinical testing. Allele origin: germline.